The following is an entry in ClinVar:

NM_001370100.5(ZMYND11):c.739G>T (p.Asp247Tyr)

Gene: ZMYND11 (zinc finger MYND-type containing 11; plus strand). Cytogenetic location: 10p15.3.
Variant type: single nucleotide variant.
Coding change: c.739G>T on transcript NM_001370100.5 (MANE Select); coding-DNA position 739, G replaced by T.
Protein change: p.Asp247Tyr; replaces aspartic acid 247 with tyrosine.
Molecular consequence: missense variant. On other transcripts: intron variant (2).
Genome position (GRCh38, 1-based): chr10:240,097, G>T. VCF-style: chr10-240097-G-T. GRCh37 (hg19) VCF-style: chr10-286037-G-T.
Other names: c.577G>T, p.Asp193Tyr (NM_001202464.3, NM_001202467.1, NM_001370103.2 and 6 more transcripts); c.484G>T, p.Asp162Tyr (NM_001202465.3, NM_001370110.2); c.574G>T, p.Asp192Tyr (NM_001202466.3, NM_001370111.2); c.739G>T, p.Asp247Tyr (NM_001202468.1, NM_001370097.3, NM_001370098.2 and 6 more transcripts); c.688G>T, p.Asp230Tyr (NM_001330057.3, NM_001370112.2); c.646G>T, p.Asp216Tyr (NM_001370113.2, NM_001370114.2); c.736G>T, p.Asp246Tyr (NM_001370115.2, NM_212479.4); c.673G>T, p.Asp225Tyr (NM_001370116.2); and 6 more; short protein forms D153Y, D162Y, D171Y, D192Y, D193Y, D207Y, D216Y, D225Y.
Identifiers: ClinVar variation 3371377 (VCV003371377.1).

ClinVar aggregate classification (germline): Uncertain significance (1 of 4 stars; one submission).

Submission:

GeneDx
Classification: Uncertain significance. Last evaluated: 2024-03-25. Review status: criteria provided, single submitter. Criteria: GeneDx Variant Classification Process June 2021. Collection method: clinical testing. Allele origin: germline. Affected: yes.
Comment: Has not been previously published as pathogenic or benign to our knowledge; Not observed at significant frequency in large population cohorts (gnomAD); In silico analysis supports that this missense variant has a deleterious effect on protein structure/function